The following is an entry in ClinVar:

ClinVar aggregate classification (germline): Pathogenic (1 of 4 stars; one submission).

Conditions:
Glycogen storage disease, type II (IOPD). Also called: Pompe Disease; CARDIOMEGALIA GLYCOGENICA DIFFUSA; GLYCOGENOSIS, GENERALIZED, CARDIAC FORM; GSD II; POMPE DISEASE, INFANTILE-ONSET; GLYCOGEN STORAGE DISEASE II, INFANTILE-ONSET. Identifiers: Orphanet 365, MedGen C0017921, MONDO:0009290, OMIM 232300.

Submission:

Genomenon, Inc
Classification: Pathogenic for Glycogen storage disease, type II. Last evaluated: 2026-07-01. Review status: criteria provided, single submitter. Criteria: Genomenon Sequence Variant Interpretation Standards - Updated. Collection method: curation. Allele origin: germline. Affected: yes.
Comment: GAA p.Lys162GlnfsTer15 (c.483dup) is a frameshift variant that is predicted to introduce a premature termination codon and result in a truncated or absent protein product. This variant has been observed in at least one proband with a GAA-related disorder (PMID:27896132). It is absent or not present at a significant frequency in gnomAD. In conclusion, we classify GAA p.Lys162GlnfsTer15 (c.483dup) as a pathogenic variant.

Literature cited by the submitters: PubMed 27896132.

NM_000152.5(GAA):c.483dup (p.Lys162fs)

Gene: GAA (alpha glucosidase; plus strand). Cytogenetic location: 17q25.3.
Variant type: Duplication.
Coding change: c.483dup on transcript NM_000152.5 (MANE Select); coding-DNA position 483, one base duplicated (C; older notation c.483dupC).
Protein change: p.Lys162fs; shifts the reading frame from lysine 162.
Molecular consequence: frameshift variant.
Genome position (GRCh38, 1-based): chr17:80,105,069, C duplicated; the last of 4 consecutive C bases (chr17:80,105,066-80,105,069); duplicating any one gives the same sequence. VCF-style (leftmost placement, unchanged base first): chr17-80105065-T-TC. GRCh37 (hg19) VCF-style: chr17-78078864-T-TC.
Other names: c.483dup, p.Lys162fs (NM_001079803.3, NM_001079804.3, NM_001406741.1 and 1 more transcripts); short protein forms K162fs.
Identifiers: ClinVar variation 4876565 (VCV004876565.1).